The following is an entry in ClinVar:

NM_000350.3(ABCA4):c.1304G>T (p.Gly435Val)

Gene: ABCA4 (ATP binding cassette subfamily A member 4; minus strand). Cytogenetic location: 1p22.1.
Variant type: single nucleotide variant.
Coding change: c.1304G>T on transcript NM_000350.3 (MANE Select); coding-DNA position 1304, G replaced by T.
Protein change: p.Gly435Val; replaces glycine 435 with valine.
Molecular consequence: missense variant.
Genome position (GRCh38, 1-based): chr1:94,078,642, C>A on the plus strand (G>T on the coding strand, the complement: ABCA4 is on the minus strand). VCF-style: chr1-94078642-C-A. GRCh37 (hg19) VCF-style: chr1-94544198-C-A.
Other names: c.1304G>T (NM_000350.2); c.1304G>T, p.Gly435Val (NM_001425324.1); short protein forms G435V.
Identifiers: ClinVar variation 1367644 (VCV001367644.11), dbSNP rs920723783, ClinGen allele CA26867929.

ClinVar aggregate classification (germline): Uncertain significance. Review status: criteria provided, multiple submitters, no conflicts (2 of 4 stars). 4 submissions from 4 submitters: Uncertain significance (4). Last evaluated 2025-06-19.

Conditions:
ABCA4-related disorder. Also called: ABCA4-related disorders; ABCA4-related condition. Identifiers: MedGen CN239167.

gnomAD v4.1: 1 of 1,524,554 alleles (0.000066%); highest among the groups gnomAD compares: Non-Finnish European, 0.000089%; no homozygotes.

Submissions (4):

PreventionGenetics, part of Exact Sciences
Classification: Uncertain significance for ABCA4-related condition. Last evaluated: 2025-06-19. Review status: criteria provided, single submitter. Criteria: ACMG Guidelines, 2015. Collection method: clinical testing. Allele origin: germline.
Comment: The ABCA4 c.1304G>T variant is predicted to result in the amino acid substitution p.Gly435Val. This variant has been reported in individuals with Stargardt disease or ABCA4-related retinal disease (see for example: Gupta et al. 2022. PubMed ID: 36284670; Lynn et al. 2022. PubMed ID: 36672815; Supplementary table 1, Fenner et al. 2024. PubMed ID: 38309476). This variant has not been reported in a large population database (gnomAD), indicating this variant is rare. Although we suspect this variant may be pathogenic, at this time, the clinical significance of this variant is uncertain due to the absence of conclusive functional and genetic evidence.

Women's Health and Genetics/Laboratory Corporation of America, LabCorp
Classification: Uncertain significance. Last evaluated: 2025-03-27. Review status: criteria provided, single submitter. Criteria: LabCorp Variant Classification Summary - May 2015. Collection method: clinical testing. Allele origin: germline.
Comment: Variant summary: ABCA4 c.1304G>T (p.Gly435Val) results in a non-conservative amino acid change in the encoded protein sequence. Five of five in-silico tools predict a damaging effect of the variant on protein function. The variant was absent in 251488 control chromosomes. c.1304G>T has been reported in the literature in individuals affected with Retinitis Pigmentosa (e.g., Fenner_2024, Gupta_2022, Lynn_2022). These data indicate that the variant may be associated with disease. To our knowledge, no experimental evidence demonstrating an impact on protein function has been reported. The following publications have been ascertained in the context of this evaluation (PMID: 38309476, 36284670, 36672815). ClinVar contains an entry for this variant (Variation ID: 1367644). Based on the evidence outlined above, the variant was classified as VUS-possibly pathogenic.

Labcorp Genetics (formerly Invitae), Labcorp
Classification: Uncertain significance. Last evaluated: 2021-08-04. Review status: criteria provided, single submitter. Criteria: Invitae Variant Classification Sherloc (09022015). Collection method: clinical testing. Allele origin: germline.
Comment: In summary, the available evidence is currently insufficient to determine the role of this variant in disease. Therefore, it has been classified as a Variant of Uncertain Significance. Advanced modeling of protein sequence and biophysical properties (such as structural, functional, and spatial information, amino acid conservation, physicochemical variation, residue mobility, and thermodynamic stability) performed at Invitae indicates that this missense variant is expected to disrupt ABCA4 protein function. This variant has not been reported in the literature in individuals with ABCA4-related conditions. This variant is not present in population databases (ExAC no frequency). This sequence change replaces glycine with valine at codon 435 of the ABCA4 protein (p.Gly435Val). The glycine residue is highly conserved and there is a moderate physicochemical difference between glycine and valine.

Blueprint Genetics
Classification: Uncertain significance. Last evaluated: 2020-02-03. Review status: criteria provided, single submitter. Criteria: ACMG Guidelines, 2015. Collection method: clinical testing. Allele origin: germline.

Literature cited by the submitters: PubMed 36284670 (cited by Women's Health and Genetics/Laboratory Corporation of America, LabCorp); PubMed 36672815 (cited by Women's Health and Genetics/Laboratory Corporation of America, LabCorp); PubMed 38309476 (cited by Women's Health and Genetics/Laboratory Corporation of America, LabCorp).